The following is an entry in ClinVar:

NM_001105206.3(LAMA4):c.4073C>T (p.Ser1358Leu)

Gene: LAMA4 (laminin subunit alpha 4; minus strand). Cytogenetic location: 6q21.
Variant type: single nucleotide variant.
Coding change: c.4073C>T on transcript NM_001105206.3 (MANE Select); coding-DNA position 4073, C replaced by T.
Protein change: p.Ser1358Leu; replaces serine 1358 with leucine.
Molecular consequence: missense variant.
Genome position (GRCh38, 1-based): chr6:112,129,936, G>A on the plus strand (C>T on the coding strand, the complement: LAMA4 is on the minus strand). VCF-style: chr6-112129936-G-A. GRCh37 (hg19) VCF-style: chr6-112451138-G-A.
Other names: c.4052C>T, p.Ser1351Leu (NM_001105207.3, NM_002290.5); short protein forms S1351L, S1358L.
Identifiers: ClinVar variation 1737378 (VCV001737378.2), dbSNP rs1554329055, ClinGen allele CA365373434.

ClinVar aggregate classification (germline): Uncertain significance (1 of 4 stars; one submission).

Conditions:
Cardiovascular phenotype. Identifiers: MedGen CN230736.

Allele frequency attached by ClinVar (database versions not stated): gnomAD exomes below 0.00001.
gnomAD v4.1: 1 of 1,612,942 alleles (0.000062%); highest among the groups gnomAD compares: Admixed American, 0.0017%; no homozygotes.

Submission:

Ambry Genetics
Classification: Uncertain significance for Cardiovascular phenotype. Last evaluated: 2022-10-14. Review status: criteria provided, single submitter. Criteria: Ambry Variant Classification Scheme 2023. Collection method: clinical testing. Allele origin: germline.
Comment: The p.S1351L variant (also known as c.4052C>T), located in coding exon 29 of the LAMA4 gene, results from a C to T substitution at nucleotide position 4052. The serine at codon 1351 is replaced by leucine, an amino acid with dissimilar properties. This amino acid position is conserved. In addition, the in silico prediction for this alteration is inconclusive. Since supporting evidence is limited at this time, the clinical significance of this alteration remains unclear.